The following is an entry in ClinVar:

NM_020988.3(GNAO1):c.479T>C (p.Leu160Pro)

Gene: GNAO1 (G protein subunit alpha o1; plus strand). Cytogenetic location: 16q13.
Variant type: single nucleotide variant.
Coding change: c.479T>C on transcript NM_020988.3 (MANE Select); coding-DNA position 479, T replaced by C.
Protein change: p.Leu160Pro; replaces leucine 160 with proline.
Molecular consequence: missense variant.
Genome position (GRCh38, 1-based): chr16:56,334,743, T>C. VCF-style: chr16-56334743-T-C. GRCh37 (hg19) VCF-style: chr16-56368655-T-C.
Other names: c.479T>C, p.Leu160Pro (NM_138736.3); short protein forms L160P.
Identifiers: ClinVar variation 1353146 (VCV001353146.10), dbSNP rs2143660444, ClinGen allele CA395951403.

ClinVar aggregate classification (germline): Uncertain significance. Review status: criteria provided, multiple submitters, no conflicts (2 of 4 stars). 2 submissions from 2 submitters: Uncertain significance (2). Last evaluated 2022-07-25.

Conditions:
Early-infantile DEE. Also called: Early infantile epileptic encephalopathy; Ohtahara syndrome; Early infantile epileptic encephalopathy with suppression bursts. Identifiers: Orphanet 1934, MedGen C0393706, MONDO:0800491.
Developmental and epileptic encephalopathy, 17 (DEE17). Also called: Early infantile epileptic encephalopathy 17. Identifiers: Orphanet 1934, MedGen C3809606, MONDO:0014199, OMIM 615473.
Neurodevelopmental disorder with involuntary movements (NEDIM). Identifiers: Orphanet 592564, MedGen C4479569, MONDO:0060491, OMIM 617493.

Submissions (2):

Labcorp Genetics (formerly Invitae), Labcorp
Classification: Uncertain significance for Early-infantile DEE. Last evaluated: 2022-07-25. Review status: criteria provided, single submitter. Criteria: Invitae Variant Classification Sherloc (09022015). Collection method: clinical testing. Allele origin: germline.
Comment: This sequence change replaces leucine, which is neutral and non-polar, with proline, which is neutral and non-polar, at codon 160 of the GNAO1 protein (p.Leu160Pro). ClinVar contains an entry for this variant (Variation ID: 1353146). This variant has not been reported in the literature in individuals affected with GNAO1-related conditions. This variant is not present in population databases (gnomAD no frequency). In summary, the available evidence is currently insufficient to determine the role of this variant in disease. Therefore, it has been classified as a Variant of Uncertain Significance. Advanced modeling of protein sequence and biophysical properties (such as structural, functional, and spatial information, amino acid conservation, physicochemical variation, residue mobility, and thermodynamic stability) performed at Invitae indicates that this missense variant is expected to disrupt GNAO1 protein function.

Fulgent Genetics
Classification: Uncertain significance for Developmental and epileptic encephalopathy, 17; Neurodevelopmental disorder with involuntary movements. Last evaluated: 2022-04-12. Review status: criteria provided, single submitter. Criteria: ACMG Guidelines, 2015. Collection method: clinical testing. Allele origin: unknown.